The following is an entry in ClinVar:

ClinVar aggregate classification (germline): Uncertain significance (1 of 4 stars; one submission).

Allele frequency attached by ClinVar (database versions not stated): TOPMed 0.00001; gnomAD exomes 0.00003; ExAC 0.00008; gnomAD 0.00008.
gnomAD v4.1: 59 of 1,568,596 alleles (0.0038%); highest among the groups gnomAD compares: African/African-American, 0.0014%; no homozygotes.

Submission:

Ambry Genetics
Classification: Uncertain significance. Last evaluated: 2023-08-30. Review status: criteria provided, single submitter. Criteria: Ambry Variant Classification Scheme 2023. Collection method: clinical testing. Allele origin: germline.
Comment: The p.V508I variant (also known as c.1522G>A), located in coding exon 14 of the BUB1 gene, results from a G to A substitution at nucleotide position 1522. The valine at codon 508 is replaced by isoleucine, an amino acid with highly similar properties. This amino acid position is conserved. In addition, this alteration is predicted to be tolerated by in silico analysis. Since supporting evidence is limited at this time, the clinical significance of this alteration remains unclear.

NM_004336.5(BUB1):c.1522G>A (p.Val508Ile)

Gene: BUB1 (BUB1 mitotic checkpoint serine/threonine kinase; minus strand). Cytogenetic location: 2q13.
Variant type: single nucleotide variant.
Coding change: c.1522G>A on transcript NM_004336.5 (MANE Select); coding-DNA position 1522, G replaced by A.
Protein change: p.Val508Ile; replaces valine 508 with isoleucine.
Molecular consequence: missense variant.
Genome position (GRCh38, 1-based): chr2:110,657,640, C>T on the plus strand (G>A on the coding strand, the complement: BUB1 is on the minus strand). VCF-style: chr2-110657640-C-T. GRCh37 (hg19) VCF-style: chr2-111415217-C-T.
Other names: c.1462G>A, p.Val488Ile (NM_001278616.2); c.1522G>A, p.Val508Ile (NM_001278617.2); short protein forms V508I, V488I.
Identifiers: ClinVar variation 1774462 (VCV001774462.3), dbSNP rs759361283, ClinGen allele CA1828045.